The following is an entry in ClinVar:

ClinVar aggregate classification (germline): Uncertain significance (1 of 4 stars; one submission).

Conditions:
Familial thoracic aortic aneurysm and aortic dissection (TAAD). Also called: Thoracic aortic aneurysms and dissections. Identifiers: Orphanet 91387, MedGen C4707243, MONDO:0019625.

Submission:

Color Diagnostics, LLC DBA Color Health
Classification: Uncertain significance for Familial thoracic aortic aneurysm and aortic dissection. Last evaluated: 2024-03-06. Review status: criteria provided, single submitter. Criteria: ACMG Guidelines, 2015. Collection method: clinical testing. Allele origin: germline.
Comment: This missense variant replaces threonine with serine at codon 1761 of the FBN1 protein. Computational prediction is inconclusive regarding the impact of this variant on protein structure and function (internally defined REVEL score threshold 0.5 < inconclusive < 0.7, PMID: 27666373). To our knowledge, functional studies have not been reported for this variant. This variant has not been reported in individuals affected with cardiovascular disorders in the literature. This variant has not been identified in the general population by the Genome Aggregation Database (gnomAD). The available evidence is insufficient to determine the role of this variant in disease conclusively. Therefore, this variant is classified as a Variant of Uncertain Significance.

NM_000138.5(FBN1):c.5282C>G (p.Thr1761Ser)

Gene: FBN1 (fibrillin 1; minus strand). Cytogenetic location: 15q21.1.
Variant type: single nucleotide variant.
Coding change: c.5282C>G on transcript NM_000138.5 (MANE Select); coding-DNA position 5282, C replaced by G.
Protein change: p.Thr1761Ser; replaces threonine 1761 with serine.
Molecular consequence: missense variant.
Genome position (GRCh38, 1-based): chr15:48,460,260, G>C on the plus strand (C>G on the coding strand, the complement: FBN1 is on the minus strand). VCF-style: chr15-48460260-G-C. GRCh37 (hg19) VCF-style: chr15-48752457-G-C.
Other names: short protein forms T1761S.
Identifiers: ClinVar variation 1172375 (VCV001172375.3), dbSNP rs2141263978, ClinGen allele CA392347977.
Genomic context (GRCh38, chr15:48,460,260, plus strand): 5'-CAAAGGCAAAAAACCAGAAAGTTCTGACAATGCCGTCATGACTCACCAACGGGTAAACCG[G>C]TATAAATGTCGATGACAAAGCCTGGCCTTTGACTTCCACAGAGTGTAGCAAACTCATCTG-3'
Protein context (NP_000129.3, residues 1751-1771): QRPGFVIDIY[Thr1761Ser]GLPVDIDECR